The following is an entry in ClinVar:

ClinVar aggregate classification (germline): Likely benign (0 of 4 stars; one submission).

Conditions:
TBXT-related disorder. Also called: TBXT-related condition.

Allele frequency attached by ClinVar (database versions not stated): gnomAD exomes 0.00004; ExAC 0.00009; 1000 Genomes Project 0.00020; gnomAD 0.00031; TOPMed 0.00038; 1000 Genomes Project 30x 0.00062.
gnomAD v4.1: 110 of 1,578,456 alleles (0.007%); highest among the groups gnomAD compares: African/African-American, 0.12%; no homozygotes.

Submission:

PreventionGenetics, part of Exact Sciences
Classification: Likely benign for TBXT-related condition. Last evaluated: 2019-07-30. Review status: no assertion criteria provided. Collection method: clinical testing. Allele origin: germline.
Comment: This variant is classified as likely benign based on ACMG/AMP sequence variant interpretation guidelines (Richards et al. 2015 PMID: 25741868, with internal and published modifications).

NM_001366285.2(TBXT):c.1068C>T (p.Asn356=)

Gene: TBXT (T-box transcription factor T; minus strand). Cytogenetic location: 6q27.
Variant type: single nucleotide variant.
Coding change: c.1068C>T on transcript NM_001366285.2 (MANE Select); coding-DNA position 1068, C replaced by T.
Protein change: p.Asn356=; no amino-acid change (asparagine 356 retained).
Molecular consequence: synonymous variant.
Genome position (GRCh38, 1-based): chr6:166,158,558, G>A on the plus strand (C>T on the coding strand, the complement: TBXT is on the minus strand). VCF-style: chr6-166158558-G-A. GRCh37 (hg19) VCF-style: chr6-166572046-G-A.
Other names: c.891C>T, p.Asn297= (NM_001270484.2); c.1068C>T, p.Asn356= (NM_001366286.2); c.1065C>T, p.Asn355= (NM_003181.4).
Identifiers: ClinVar variation 3034735 (VCV003034735.2), dbSNP rs200879575, ClinGen allele CA4092870.
Genomic context (GRCh38, chr6:166,158,558, plus strand): 5'-GAACTGGGCCCCCAGCCCGTTGGACACGGCTGCTGCCTGGGAGCCCGGGGTGACGGCGCC[G>A]TTGCTCACAGACCACAGGCTGGGGTACTGACTGCAACAGAAAGACACCAGTGAGCAGGGC-3'
Protein context (NP_001353214.1, residues 346-366): SQYPSLWSVS[Asn356=]GAVTPGSQAA